The following is an entry in ClinVar:

NM_000543.5(SMPD1):c.168G>T (p.Trp56Cys)

Gene: SMPD1 (sphingomyelin phosphodiesterase 1; plus strand). Cytogenetic location: 11p15.4.
Variant type: single nucleotide variant.
Coding change: c.168G>T on transcript NM_000543.5 (MANE Select); coding-DNA position 168, G replaced by T.
Protein change: p.Trp56Cys; replaces tryptophan 56 with cysteine.
Molecular consequence: missense variant. On other transcripts: 5 prime UTR variant (1), non-coding transcript variant (2).
Genome position (GRCh38, 1-based): chr11:6,390,766, G>T. VCF-style: chr11-6390766-G-T. GRCh37 (hg19) VCF-style: chr11-6411996-G-T.
Other names: c.168G>T, p.Trp56Cys (NM_001007593.3, NM_001318087.2, NM_001365135.2); c.-794G>T (NM_001318088.2); short protein forms W56C.
Identifiers: ClinVar variation 4864897 (VCV004864897.1).

ClinVar aggregate classification (germline): Uncertain significance (1 of 4 stars; one submission).

Conditions:
Inborn genetic diseases. Identifiers: MedGen C0950123, MeSH D030342.

Submission:

Ambry Genetics
Classification: Uncertain significance for Inborn genetic diseases. Last evaluated: 2026-05-28. Review status: criteria provided, single submitter. Criteria: Ambry Variant Classification Scheme 2023. Collection method: clinical testing. Allele origin: germline.
Comment: The p.W56C variant (also known as c.168G>T), located in coding exon 1 of the SMPD1 gene, results from a G to T substitution at nucleotide position 168. The tryptophan at codon 56 is replaced by cysteine, an amino acid with highly dissimilar properties. This amino acid position is conserved. In addition, this alteration is predicted to be tolerated by in silico analysis. Based on the available evidence, the clinical significance of this variant remains unclear.